The following is an entry in ClinVar:

NM_001082486.1(ACD):c.211C>G (p.Pro71Ala)

Gene: ACD (ACD shelterin complex subunit and telomerase recruitment factor; minus strand). Cytogenetic location: 16q22.1.
Variant type: single nucleotide variant.
Coding change: c.211C>G on transcript NM_001082486.1; coding-DNA position 211, C replaced by G.
Protein change: p.Pro71Ala; replaces proline 71 with alanine.
Genome position (GRCh38, 1-based): chr16:67,660,268, G>C on the plus strand (C>G on the coding strand, the complement: ACD is on the minus strand). VCF-style: chr16-67660268-G-C. GRCh37 (hg19) VCF-style: chr16-67694171-G-C.
Other names: short protein forms P71A.
Identifiers: ClinVar variation 2566760 (VCV002566760.2), dbSNP rs2543612167, ClinGen allele CA396359399.

ClinVar aggregate classification (germline): Uncertain significance (1 of 4 stars; one submission).

Conditions:
Inborn genetic diseases. Identifiers: MedGen C0950123, MeSH D030342.

Submission:

Ambry Genetics
Classification: Uncertain significance for Inborn genetic diseases. Last evaluated: 2023-04-23. Review status: criteria provided, single submitter. Criteria: Ambry Variant Classification Scheme 2023. Collection method: clinical testing. Allele origin: germline.
Comment: The p.P71A variant (also known as c.211C>G), located in coding exon 1 of the ACD gene, results from a C to G substitution at nucleotide position 211. The proline at codon 71 is replaced by alanine, an amino acid with highly similar properties. This amino acid position is conserved. In addition, this alteration is predicted to be tolerated by in silico analysis. Since supporting evidence is limited at this time, the clinical significance of this alteration remains unclear.